The following is an entry in ClinVar:

ClinVar aggregate classification (germline): Likely benign (0 of 4 stars; one submission).

Conditions:
MRAP2-related disorder. Also called: MRAP2-related condition.

gnomAD v4.1: 6 of 1,614,172 alleles (0.00037%); highest among the groups gnomAD compares: Admixed American, 0.0017%; no homozygotes.

Submission:

PreventionGenetics, part of Exact Sciences
Classification: Likely benign for MRAP2-related condition. Last evaluated: 2022-03-16. Review status: no assertion criteria provided. Collection method: clinical testing. Allele origin: germline.
Comment: This variant is classified as likely benign based on ACMG/AMP sequence variant interpretation guidelines (Richards et al. 2015 PMID: 25741868, with internal and published modifications).

NM_138409.4(MRAP2):c.213A>C (p.Gly71=)

Gene: MRAP2 (melanocortin 2 receptor accessory protein 2; plus strand). Cytogenetic location: 6q14.2.
Variant type: single nucleotide variant.
Coding change: c.213A>C on transcript NM_138409.4 (MANE Select); coding-DNA position 213, A replaced by C.
Protein change: p.Gly71=; no amino-acid change (glycine 71 retained).
Molecular consequence: synonymous variant. On other transcripts: 5 prime UTR variant (1), intron variant (1).
Genome position (GRCh38, 1-based): chr6:84,062,978, A>C. VCF-style: chr6-84062978-A-C. GRCh37 (hg19) VCF-style: chr6-84772697-A-C.
Other names: c.213A>C, p.Gly71= (NM_001346542.2, NM_001346544.2); c.-47A>C (NM_001346543.2); c.-32+7533A>C (NM_001346541.2).
Identifiers: ClinVar variation 3355136 (VCV003355136.1).